The following is an entry in ClinVar:

ClinVar aggregate classification (germline): Uncertain significance (1 of 4 stars; one submission).

Submission:

GeneDx
Classification: Uncertain significance. Last evaluated: 2023-07-20. Review status: criteria provided, single submitter. Criteria: GeneDx Variant Classification Process June 2021. Collection method: clinical testing. Allele origin: germline. Affected: yes.
Comment: Not observed at significant frequency in large population cohorts (gnomAD); In-frame deletion of 1 amino acids in a non-repeat region; Has not been previously published as pathogenic or benign to our knowledge

NM_000719.7(CACNA1C):c.4400TCA[1] (p.Ile1468del)

Gene: CACNA1C (calcium voltage-gated channel subunit alpha1 C; plus strand). Cytogenetic location: 12p13.33.
Variant type: Microsatellite.
Coding change: c.4400TCA[1] on transcript NM_000719.7 (MANE Select); one copy of the 3-base unit TCA starting at c.4400; the reference has two copies in a row; one copy, 3 bases deleted; also written c.4403_4405del.
Protein change: p.Ile1468del; deletes isoleucine 1468.
Molecular consequence: inframe indel (on NM_000719.6).
Genome position (GRCh38, 1-based): chr12:2,665,585-2,665,587, TCA deleted; deleting any 3 consecutive bases within chr12:2,665,581-2,665,587 gives the same sequence; the position shown is the placement nearest the transcript's 3' end. VCF-style (leftmost placement, unchanged base first): chr12-2665580-GATC-G. GRCh37 (hg19) VCF-style: chr12-2774746-GATC-G.
Other names: c.4484TCA[1], p.Ile1496del (NM_001129831.2); c.4460TCA[1], p.Ile1488del (NM_001129832.2); c.4400TCA[1], p.Ile1468del (NM_001129833.2, NM_001129834.2, NM_001129840.2 and 7 more transcripts); c.4451TCA[1], p.Ile1485del (NM_001129836.2); c.4367TCA[1], p.Ile1457del (NM_001129837.2, NM_001129838.2, NM_001129846.2 and 1 more transcripts); c.4361TCA[1], p.Ile1455del (NM_001129839.2); c.4391TCA[1], p.Ile1465del (NM_001129844.2); c.4544TCA[1], p.Ile1516del (NM_199460.4, NM_001129827.2); and 2 more; short protein forms I1455del, I1457del, I1465del, I1468del, I1485del, I1488del, I1490del, I1496del.
Identifiers: ClinVar variation 3361227 (VCV003361227.1).